The following is an entry in ClinVar:

ClinVar aggregate classification (germline): Conflicting classifications of pathogenicity. Review status: criteria provided, conflicting classifications (1 of 4 stars). 2 submissions from 2 submitters: Uncertain significance (1); Likely benign (1). Last evaluated 2026-01-14.

Conditions:
POLD1-related polyposis and colorectal cancer syndrome (CRCS10). Also called: Colorectal cancer 10; COLORECTAL CANCER, SUSCEPTIBILITY TO, ON CHROMOSOME 19q; Colorectal cancer, susceptibility to, 10. Identifiers: Orphanet 220460, MedGen C2675481, MONDO:0012953, OMIM 612591.
Hereditary cancer-predisposing syndrome. Also called: Neoplastic Syndromes, Hereditary; Tumor predisposition; Hereditary Cancer Syndrome; Hereditary neoplastic syndrome. Identifiers: Orphanet 140162, MedGen C0027672, MeSH D009386, MONDO:0015356.

Submissions (2):

Ambry Genetics
Classification: Likely benign for Hereditary cancer-predisposing syndrome. Last evaluated: 2026-01-14. Review status: criteria provided, single submitter. Criteria: Ambry Variant Classification Scheme 2023. Collection method: clinical testing. Allele origin: germline.

Labcorp Genetics (formerly Invitae), Labcorp
Classification: Uncertain significance for POLD1-related polyposis and colorectal cancer syndrome. Last evaluated: 2024-06-21. Review status: criteria provided, single submitter. Criteria: Invitae Variant Classification Sherloc (09022015). Collection method: clinical testing. Allele origin: germline.
Comment: This sequence change replaces proline, which is neutral and non-polar, with serine, which is neutral and polar, at codon 9 of the POLD1 protein (p.Pro9Ser). This variant is not present in population databases (gnomAD no frequency). This variant has not been reported in the literature in individuals affected with POLD1-related conditions. Algorithms developed to predict the effect of missense changes on protein structure and function output the following: SIFT: "Not Available"; PolyPhen-2: "Not Available"; Align-GVGD: "Not Available". The serine amino acid residue is found in multiple mammalian species, which suggests that this missense change does not adversely affect protein function. In summary, the available evidence is currently insufficient to determine the role of this variant in disease. Therefore, it has been classified as a Variant of Uncertain Significance.

NM_002691.4(POLD1):c.25C>T (p.Pro9Ser)

Gene: POLD1 (DNA polymerase delta 1, catalytic subunit; plus strand). Cytogenetic location: 19q13.33.
Variant type: single nucleotide variant.
Coding change: c.25C>T on transcript NM_002691.4 (MANE Select); coding-DNA position 25, C replaced by T.
Protein change: p.Pro9Ser; replaces proline 9 with serine.
Molecular consequence: missense variant. On other transcripts: non-coding transcript variant (1).
Genome position (GRCh38, 1-based): chr19:50,398,876, C>T. VCF-style: chr19-50398876-C-T. GRCh37 (hg19) VCF-style: chr19-50902133-C-T.
Other names: c.25C>T, p.Pro9Ser (NM_001256849.1, NM_001308632.1); c.25C>T (NM_002691.2); short protein forms P9S.
Identifiers: ClinVar variation 2830395 (VCV002830395.4), dbSNP rs2513932031, ClinGen allele CA406969998.
Genomic context (GRCh38, chr19:50,398,876, plus strand): 5'-TCAGAACCTCCACCAAGCTCCAACTTGCCCAGCAGGATGGATGGCAAGCGGCGGCCAGGC[C>T]CAGGGCCCGGGGTGCCCCCAAAGCGGGCCCGTGGGGGCCTCTGGGATGATGATGATGCAC-3'
Protein context (NP_002682.2, residues 1-19): MDGKRRPG[Pro9Ser]GPGVPPKRAR